The following is an entry in ClinVar:

ClinVar aggregate classification (germline): Uncertain significance. Review status: criteria provided, multiple submitters, no conflicts (2 of 4 stars). 2 submissions from 2 submitters: Uncertain significance (2). Last evaluated 2024-12-31.

Conditions:
Fraser syndrome 2 (FRASRS2). Identifiers: MedGen C4540036, MONDO:0054738, OMIM 617666.
Isolated cryptophthalmia. Also called: Cryptophthalmos, unilateral or bilateral, isolated; ANKYLOBLEPHARON, SIMPLE. Identifiers: Orphanet 91396, MedGen C1852453, MONDO:0007410, OMIM 123570.

gnomAD v4.1: 107 of 1,613,964 alleles (0.0066%); highest among the groups gnomAD compares: African/African-American, 0.13%; no homozygotes.

Submissions (2):

GeneDx
Classification: Uncertain significance. Last evaluated: 2024-12-31. Review status: criteria provided, single submitter. Criteria: GeneDx Variant Classification Process June 2021. Collection method: clinical testing. Allele origin: germline. Affected: yes.
Comment: In silico analysis indicates that this missense variant does not alter protein structure/function; Has not been previously published as pathogenic or benign to our knowledge

Fulgent Genetics
Classification: Uncertain significance for Isolated cryptophthalmia; Fraser syndrome 2. Last evaluated: 2024-01-16. Review status: criteria provided, single submitter. Criteria: ACMG Guidelines, 2015. Collection method: clinical testing. Allele origin: germline.

NM_207361.6(FREM2):c.5437G>A (p.Glu1813Lys)

Gene: FREM2 (FRAS1 related extracellular matrix 2; plus strand). Cytogenetic location: 13q13.3.
Variant type: single nucleotide variant.
Coding change: c.5437G>A on transcript NM_207361.6 (MANE Select); coding-DNA position 5437, G replaced by A.
Protein change: p.Glu1813Lys; replaces glutamic acid 1813 with lysine.
Molecular consequence: missense variant.
Genome position (GRCh38, 1-based): chr13:38,769,604, G>A. VCF-style: chr13-38769604-G-A. GRCh37 (hg19) VCF-style: chr13-39343741-G-A.
Other names: c.5437G>A (NM_207361.4); short protein forms E1813K.
Identifiers: ClinVar variation 3576122 (VCV003576122.2).
Genomic context (GRCh38, chr13:38,769,604, plus strand): 5'-GAAACTAAGAAAATGATATTATGTTTTTGTGAAGGTATTGGCACAAGAGACAGAACTGCA[G>A]AAAAAGACAAAGACTTCAAGGGCAAAGCACAGAAACAAGTGCAGTTCAACCCAGGCCAGA-3'
Protein context (NP_997244.4, residues 1803-1823): ISIGTRDRTA[Glu1813Lys]KDKDFKGKAQ